The following is an entry in ClinVar:

NM_000038.6(APC):c.4793_4800delinsTGG (p.Ala1598fs)

Gene: APC (APC regulator of Wnt signaling pathway; plus strand). Cytogenetic location: 5q22.2.
Variant type: Indel.
Coding change: c.4793_4800delinsTGG on transcript NM_000038.6 (MANE Select); coding-DNA positions 4793 to 4800, CTTCAAAA replaced by TGG.
Protein change: p.Ala1598fs; shifts the reading frame from alanine 1598.
Molecular consequence: frameshift variant.
Genome position (GRCh38, 1-based): chr5:112,840,387-112,840,394, CTTCAAAA replaced by TGG. VCF-style: chr5-112840387-CTTCAAAA-TGG. GRCh37 (hg19) VCF-style: chr5-112176084-CTTCAAAA-TGG.
Other names: c.4793_4800delinsTGG, p.Ala1598fs (NM_001127510.3, NM_001354895.2); c.4739_4746delinsTGG, p.Ala1580fs (NM_001127511.3); c.4847_4854delinsTGG, p.Ala1616fs (NM_001354896.2); c.4823_4830delinsTGG, p.Ala1608fs (NM_001354897.2); c.4718_4725delinsTGG, p.Ala1573fs (NM_001354898.2); c.4709_4716delinsTGG, p.Ala1570fs (NM_001354899.2); c.4670_4677delinsTGG, p.Ala1557fs (NM_001354900.2); c.4616_4623delinsTGG, p.Ala1539fs (NM_001354901.2); and 5 more; short protein forms A1497fs, A1507fs, A1573fs, A1608fs, A1315fs, A1580fs, A1438fs, A1472fs.
Identifiers: ClinVar variation 265579 (VCV000265579.13), dbSNP rs886039641, ClinGen allele CA10588386.
Genomic context (GRCh38, chr5:112,840,387, plus strand): 5'-GTATTATTTCTGCCATGCCAACAAAGTCATCACGTAAAGCAAAAAAGCCAGCCCAGACTG[CTTCAAAA>TGG]TTACCTCCACCTGTGGCAAGGAAACCAAGTCAGCTGCCTGTGTACAAACTTCTACCATCA-3'

ClinVar aggregate classification (germline): Pathogenic/Likely pathogenic. Review status: criteria provided, multiple submitters, no conflicts (2 of 4 stars). 4 submissions from 4 submitters: Pathogenic (2); Likely pathogenic (1). 1 of the submissions does not count toward it. Last evaluated 2025-01-22.

Conditions:
Hereditary cancer-predisposing syndrome. Also called: Neoplastic Syndromes, Hereditary; Hereditary neoplastic syndrome; Hereditary Cancer Syndrome; Tumor predisposition. Identifiers: Orphanet 140162, MedGen C0027672, MeSH D009386, MONDO:0015356.
Familial adenomatous polyposis 1 (FAP1). Also called: FAMILIAL ADENOMATOUS POLYPOSIS 1, ATTENUATED; POLYPOSIS, ADENOMATOUS INTESTINAL. Identifiers: MedGen C2713442, MONDO:0021056, OMIM 175100. Disease mechanism: loss of function.

Submissions (4):

Ambry Genetics
Classification: Pathogenic for Hereditary cancer-predisposing syndrome. Last evaluated: 2025-01-22. Review status: criteria provided, single submitter. Criteria: Ambry Variant Classification Scheme 2023. Collection method: clinical testing. Allele origin: germline.
Comment: The c.4793_4800delCTTCAAAAinsTGG pathogenic mutation, located in coding exon 15 of the APC gene, results from the deletion of 8 nucleotides and insertion of 3 nucleotides causing a translational frameshift with a predicted alternate stop codon (p.A1598Vfs*32). This alteration occurs at the 3' terminus of theAPC gene, is not expected to trigger nonsense-mediated mRNA decay, and impacts the last 44% of the protein. However, premature stop codons are typically deleterious in nature and a significant portion of the protein is affected (Ambry internal data). Based on the supporting evidence, this variant is interpreted as a disease-causing mutation.

Myriad Genetics, Inc.
Classification: Pathogenic for Familial adenomatous polyposis 1. Last evaluated: 2023-05-12. Review status: criteria provided, single submitter. Criteria: Myriad Autosomal Dominant, Autosomal Recessive and X-Linked Classification Criteria (2023). Collection method: clinical testing. Allele origin: unknown.
Comment: This variant is considered pathogenic. This variant creates a frameshift predicted to result in premature protein truncation.

GeneDx
Classification: Likely pathogenic. Last evaluated: 2016-05-18. Review status: criteria provided, single submitter. Criteria: GeneDx Variant Classification (06012015). Collection method: clinical testing. Allele origin: germline. Affected: yes.
Comment: This combined deletion and insertion is denoted APC c.4793_4800delCTTCAAAAinsTGG at the cDNA level and p.Ala1598ValfsX32 (A1598VfsX32) at the protein level. The normal sequence, with the bases that are deleted in braces and inserted in brackets, is ACTG[CTTCAAAA][TGG]TTAC. The variant causes a frameshift which changes an Alanine to a Valine at codon 1598, and creates a premature stop codon at position 32 of the new reading frame. Even though this frameshift occurs in the last exon of the gene, and nonsense-mediated decay is not expected to occur, it is significant since the last 1,246 amino acids are replaced by 31 incorrect residues. Although this variant has not, to our knowledge, been reported in the literature, it is predicted to cause loss of normal protein function through protein truncation. Based on the currently available information, we consider this variant to be likely pathogenic.

Mayo Clinic Laboratories, Mayo Clinic
Classification: Likely pathogenic. Review status: no assertion criteria provided. Collection method: clinical testing. Allele origin: unknown. Not counted in ClinVar's aggregate classification.